The following is an entry in ClinVar:

NM_080680.3(COL11A2):c.1780G>A (p.Asp594Asn)

Gene: COL11A2 (collagen type XI alpha 2 chain; minus strand). Cytogenetic location: 6p21.32.
Variant type: single nucleotide variant.
Coding change: c.1780G>A on transcript NM_080680.3 (MANE Select); coding-DNA position 1780, G replaced by A.
Protein change: p.Asp594Asn; replaces aspartic acid 594 with asparagine.
Molecular consequence: missense variant.
Genome position (GRCh38, 1-based): chr6:33,178,346, C>T on the plus strand (G>A on the coding strand, the complement: COL11A2 is on the minus strand). VCF-style: chr6-33178346-C-T. GRCh37 (hg19) VCF-style: chr6-33146123-C-T.
Other names: c.1459G>A, p.Asp487Asn (NM_080679.3); c.1522G>A, p.Asp508Asn (NM_080681.3); short protein forms D487N, D508N, D594N.
Identifiers: ClinVar variation 1708364 (VCV001708364.5), dbSNP rs1771216696, ClinGen allele CA363657482.

ClinVar aggregate classification (germline): Uncertain significance. Review status: criteria provided, multiple submitters, no conflicts (2 of 4 stars). 2 submissions from 2 submitters: Uncertain significance (2). Last evaluated 2023-11-02.

Allele frequency attached by ClinVar (database versions not stated): gnomAD exomes below 0.00001; TOPMed 0.00001.
gnomAD v4.1: 1 of 1,612,992 alleles (0.000062%); highest among the groups gnomAD compares: Non-Finnish European, 0.000085%; no homozygotes.

Submissions (2):

Labcorp Genetics (formerly Invitae), Labcorp
Classification: Uncertain significance. Last evaluated: 2023-11-02. Review status: criteria provided, single submitter. Criteria: Invitae Variant Classification Sherloc (09022015). Collection method: clinical testing. Allele origin: germline.
Comment: This sequence change replaces aspartic acid, which is acidic and polar, with asparagine, which is neutral and polar, at codon 594 of the COL11A2 protein (p.Asp594Asn). This variant is not present in population databases (gnomAD no frequency). This variant has not been reported in the literature in individuals affected with COL11A2-related conditions. ClinVar contains an entry for this variant (Variation ID: 1708364). Advanced modeling of protein sequence and biophysical properties (such as structural, functional, and spatial information, amino acid conservation, physicochemical variation, residue mobility, and thermodynamic stability) performed at Invitae indicates that this missense variant is not expected to disrupt COL11A2 protein function with a negative predictive value of 95%. In summary, the available evidence is currently insufficient to determine the role of this variant in disease. Therefore, it has been classified as a Variant of Uncertain Significance.

Centre of Medical Genetics, University Hospital Muenster
Classification: Uncertain significance. Last evaluated: 2021-12-20. Review status: criteria provided, single submitter. Criteria: ACMG Guidelines, 2015. Collection method: clinical testing. Allele origin: unknown. Affected: yes. Observed: 1 variant allele, 1 heterozygote.
Comment: ACMG categories: PM2,PP3